The following is an entry in ClinVar:

NM_004656.4(BAP1):c.485T>C (p.Val162Ala)

Gene: BAP1 (BRCA1 associated deubiquitinase 1; minus strand). Cytogenetic location: 3p21.1.
Variant type: single nucleotide variant.
Coding change: c.485T>C on transcript NM_004656.4 (MANE Select); coding-DNA position 485, T replaced by C.
Protein change: p.Val162Ala; replaces valine 162 with alanine.
Molecular consequence: missense variant.
Genome position (GRCh38, 1-based): chr3:52,407,269, A>G on the plus strand (T>C on the coding strand, the complement: BAP1 is on the minus strand). VCF-style: chr3-52407269-A-G. GRCh37 (hg19) VCF-style: chr3-52441285-A-G.
Other names: c.485T>C, p.Val162Ala (NM_001410772.1); short protein forms V162A.
Identifiers: ClinVar variation 3224470 (VCV003224470.1), dbSNP rs2153227845, ClinGen allele CA353110132.
Genomic context (GRCh38, chr3:52,407,269, plus strand): 5'-TCAAAGAGCCGGCCTGTGATAGGCACATAGCTGACAAAGTGGAACGCCTCCATGGTCCGC[A>G]CTGCACTAAGGCCATTCTGCTTCTCAGGGAGGTGGCGTGGCTCGGGCCTGGGGAAAAACA-3'
Protein context (NP_004647.1, residues 152-172): LPEKQNGLSA[Val162Ala]RTMEAFHFVS

ClinVar aggregate classification (germline): Uncertain significance (1 of 4 stars; one submission).

Conditions:
Hereditary cancer-predisposing syndrome. Also called: Tumor predisposition; Hereditary neoplastic syndrome; Hereditary Cancer Syndrome; Neoplastic Syndromes, Hereditary. Identifiers: Orphanet 140162, MedGen C0027672, MeSH D009386, MONDO:0015356.

Allele frequency attached by ClinVar (database versions not stated): gnomAD exomes below 0.00001.
gnomAD v4.1: 3 of 1,614,200 alleles (0.00019%); highest among the groups gnomAD compares: Non-Finnish European, 0.00025%; no homozygotes.

Submission:

Ambry Genetics
Classification: Uncertain significance for Hereditary cancer-predisposing syndrome. Last evaluated: 2024-02-23. Review status: criteria provided, single submitter. Criteria: Ambry Variant Classification Scheme 2023. Collection method: clinical testing. Allele origin: germline.
Comment: The p.V162A variant (also known as c.485T>C), located in coding exon 7 of the BAP1 gene, results from a T to C substitution at nucleotide position 485. The valine at codon 162 is replaced by alanine, an amino acid with similar properties. This amino acid position is conserved. In addition, the in silico prediction for this alteration is inconclusive. Based on the available evidence, the clinical significance of this alteration remains unclear.